The following is an entry in ClinVar:

ClinVar aggregate classification (germline): Likely benign (1 of 4 stars; one submission).

gnomAD v4.1: 729 of 1,612,854 alleles (0.045%); highest among the groups gnomAD compares: African/African-American, 0.81%; 13 homozygotes.

Submission:

CeGaT Center for Human Genetics Tuebingen
Classification: Likely benign. Last evaluated: 2025-11-01. Review status: criteria provided, single submitter. Criteria: CeGaT Center For Human Genetics Tuebingen Variant Classification Criteria Version 2. Collection method: clinical testing. Allele origin: germline. Affected: yes. Observed: 1 variant allele.
Comment: AHNAK2: BP4, BP7

NM_138420.4(AHNAK2):c.9000G>A (p.Ser3000=)

Gene: AHNAK2 (AHNAK nucleoprotein 2; minus strand). Cytogenetic location: 14q32.33.
Variant type: single nucleotide variant.
Coding change: c.9000G>A on transcript NM_138420.4 (MANE Select); coding-DNA position 9000, G replaced by A.
Protein change: p.Ser3000=; no amino-acid change (serine 3000 retained).
Molecular consequence: synonymous variant.
Genome position (GRCh38, 1-based): chr14:104,946,451, C>T on the plus strand (G>A on the coding strand, the complement: AHNAK2 is on the minus strand). VCF-style: chr14-104946451-C-T. GRCh37 (hg19) VCF-style: chr14-105412788-C-T.
Other names: c.8700G>A, p.Ser2900= (NM_001350929.2).
Identifiers: ClinVar variation 4533852 (VCV004533852.6).
Genomic context (GRCh38, chr14:104,946,451, plus strand): 5'-GTCCCCCTGCATGGAGGGGAGGCTCACTTCGGCCTCCACCTTCGGCGCAGACACATCCAC[C>T]GAGACCTCAATGGACTTGCCTGGGGCAGACACCCCGAACGACGGCATCTTGAACTTGGGC-3'
Protein context (NP_612429.2, residues 2990-3010): VSAPGKSIEV[Ser3000=]VDVSAPKVEA